The following is an entry in ClinVar:

NM_006821.6(ACOT2):c.663G>C (p.Gly221=)

Genes: HEATR4 (HEAT repeat containing 4; minus strand), ACOT2 (acyl-CoA thioesterase 2; plus strand). Cytogenetic location: 14q24.3.
Variant type: single nucleotide variant.
Coding change: c.663G>C on transcript NM_006821.6 (MANE Select); coding-DNA position 663, G replaced by C.
Protein change: p.Gly221=; no amino-acid change (glycine 221 retained).
Molecular consequence: synonymous variant. On other transcripts: non-coding transcript variant (1).
Genome position (GRCh38, 1-based): chr14:73,573,407, G>C. VCF-style: chr14-73573407-G-C. GRCh37 (hg19) VCF-style: chr14-74040111-G-C.
Other names: c.72G>C, p.Gly24= (NM_001364177.1); c.663G>C, p.Gly221= (NM_001364178.1).
Identifiers: ClinVar variation 4820838 (VCV004820838.4).

ClinVar aggregate classification (germline): Likely benign (1 of 4 stars; one submission).

gnomAD v4.1: 3,653 of 1,611,592 alleles (0.23%); highest among the groups gnomAD compares: Non-Finnish European, 0.28%; 80 homozygotes.

Submission:

CeGaT Center for Human Genetics Tuebingen
Classification: Likely benign. Last evaluated: 2026-02-01. Review status: criteria provided, single submitter. Criteria: CeGaT Center For Human Genetics Tuebingen Variant Classification Criteria Version 2. Collection method: clinical testing. Allele origin: germline. Affected: yes. Observed: 1 variant allele.
Comment: ACOT2: BP4, BP7